The following is an entry in ClinVar:

ClinVar aggregate classification (germline): Likely pathogenic. Review status: criteria provided, single submitter (1 of 4 stars). 2 submissions from 2 submitters: Likely pathogenic (1). 1 of the submissions does not count toward it. Last evaluated 2024-05-15.

Conditions:
Congenital disorder of deglycosylation 1. Also called: NGLY1-Related Congenital Disorder of Deglycosylation; NGLY1-deficiency. Identifiers: Orphanet 404454, MedGen CN306977, MONDO:0800044, OMIM 615273.

Submissions (2):

Fulgent Genetics
Classification: Likely pathogenic for Congenital disorder of deglycosylation 1. Last evaluated: 2024-05-15. Review status: criteria provided, single submitter. Criteria: ACMG Guidelines, 2015. Collection method: clinical testing. Allele origin: germline.

Department of Pediatrics, Graduate School of Medical Sciences, Kyushu University
Classification: Likely pathogenic for Congenital disorder of deglycosylation 1. Review status: no assertion criteria provided. Collection method: curation. Allele origin: germline. Affected: yes. Not counted in ClinVar's aggregate classification.

Literature cited by the submitters: PubMed 27388694 (cited by Department of Pediatrics, Graduate School of Medical Sciences, Kyushu University).

NM_018297.4(NGLY1):c.-17_12del (p.Met1fs)

Genes: NGLY1 (N-glycanase 1; minus strand), LOC129936379 (ATAC-STARR-seq lymphoblastoid silent region 14147; plus strand). Cytogenetic location: 3p24.2.
Variant type: Deletion.
Coding change: c.-17_12del on transcript NM_018297.4 (MANE Select); 17 bases upstream of the start codon through coding-DNA position 12, 29 bases deleted (CCCGCTGGCGCTCAAGCATGGCGGCGGCG).
Protein change: p.Met1fs; shifts the reading frame from methionine 1.
Molecular consequence: frameshift variant, initiator codon variant. On other transcripts: intron variant (1).
Genome position (GRCh38, 1-based): chr3:25,783,379-25,783,407, CGCCGCCGCCATGCTTGAGCGCCAGCGGG deleted on the plus strand (CCCGCTGGCGCTCAAGCATGGCGGCGGCG on the coding strand, the reverse complement: NGLY1 is on the minus strand); deleting any 29 consecutive bases within chr3:25,783,379-25,783,417 gives the same sequence; the c. name uses the placement nearest the transcript's 3' end. VCF-style (leftmost placement, unchanged base first): chr3-25783378-CCGCCGCCGCCATGCTTGAGCGCCAGCGGG-C. GRCh37 (hg19) VCF-style: chr3-25824869-CCGCCGCCGCCATGCTTGAGCGCCAGCGGG-C.
Other names: c.6-4719_6-4691del (NM_001145294.2); c.-17_12del, p.Met1fs (NM_001145293.2, NM_001145295.2); short protein forms M1fs.
Identifiers: ClinVar variation 2637937 (VCV002637937.2), dbSNP rs765492483, ClinGen allele CA2289614.
Genomic context (GRCh38, chr3:25,783,378, plus strand): 5'-GGGTGTTCTGGCAGAGCTCAGCCACGGCCGGGGACGCCGAGCCTGAGGAGCTGCCCAATG[CCGCCGCCGCCATGCTTGAGCGCCAGCGGG>C]CGCCGCCGCCGCCCCTCGCTCTCCGCGTCCCACACTGAGCAGGCGCCTCAGCGCGCAGCA-3'